The following is an entry in ClinVar:

NM_001128164.2(ATXN1):c.636GCA[12] (p.Gln224_Gln225del)

Genes: ATXN1 (ataxin 1; minus strand), LOC108663993 (ataxin 1 repeat instability region; plus strand). Cytogenetic location: 6p22.3.
Variant type: Microsatellite.
Coding change: c.636GCA[12] on transcript NM_001128164.2 (MANE Select); 12 copies in a row of the 3-base unit GCA starting at c.636; the reference has 14 copies in a row; two copies, 6 bases deleted.
Protein change: p.Gln224_Gln225del.
Molecular consequence: inframe deletion. On other transcripts: 3 prime UTR variant (1).
Genome position (GRCh38, 1-based): chr6:16,327,634-16,327,639, TGCTGC deleted on the plus strand (GCAGCA on the coding strand, the reverse complement: ATXN1 is on the minus strand); deleting any 6 consecutive bases within chr6:16,327,634-16,327,677 gives the same sequence; the position shown is the placement nearest the transcript's 3' end. VCF-style (leftmost placement, unchanged base first): chr6-16327633-GTGCTGC-G. GRCh37 (hg19) VCF-style: chr6-16327864-GTGCTGC-G.
Other names: c.672_677del6 (NM_000332.3); c.636GCA[12], p.Gln224_Gln225del (NM_000332.4); c.*49GCA[12] (NM_001357857.2).
Identifiers: ClinVar variation 1206220 (VCV001206220.8), dbSNP rs751421308, ClinGen allele CA3645520.

ClinVar aggregate classification (germline): Likely benign. Review status: criteria provided, single submitter (1 of 4 stars). 4 submissions from 4 submitters: Likely benign (1). 3 of the submissions do not count toward it. Last evaluated 2024-11-26.

Conditions:
ATXN1-related disorder. Also called: ATXN1-related condition.

Submissions (4):

Blueprint Genetics
Classification: Likely benign. Last evaluated: 2024-11-26. Review status: criteria provided, single submitter. Criteria: ACMG Guidelines, 2015. Collection method: clinical testing. Allele origin: germline.

PreventionGenetics, part of Exact Sciences
Classification: Benign for ATXN1-related condition. Last evaluated: 2019-10-31. Review status: no assertion criteria provided. Collection method: clinical testing. Allele origin: germline. Not counted in ClinVar's aggregate classification.
Comment: This variant is classified as benign based on ACMG/AMP sequence variant interpretation guidelines (Richards et al. 2015 PMID: 25741868, with internal and published modifications).

Clinical Genetics DNA and cytogenetics Diagnostics Lab, Erasmus MC, Erasmus Medical Center
Classification: Likely benign. Review status: no assertion criteria provided. Collection method: clinical testing. Allele origin: germline. Affected: yes. Study: VKGL Data-share Consensus. Not counted in ClinVar's aggregate classification.

Laboratory of Diagnostic Genome Analysis, Leiden University Medical Center (LUMC)
Classification: Likely benign. Review status: no assertion criteria provided. Collection method: clinical testing. Allele origin: germline. Affected: yes. Study: VKGL Data-share Consensus. Not counted in ClinVar's aggregate classification.